The following is an entry in ClinVar:

ClinVar aggregate classification (germline): Likely pathogenic (1 of 4 stars; one submission).

Conditions:
3M syndrome 2. Also called: THREE M SYNDROME 2; 3-M Syndrome, OBSL1-Related. Identifiers: Orphanet 2616, MedGen C2752041, MONDO:0013039, OMIM 612921.

Submission:

Dasa
Classification: Likely pathogenic for 3M syndrome 2. Last evaluated: 2025-10-08. Review status: criteria provided, single submitter. Criteria: DASA Assertion Criteria. Collection method: clinical testing. Allele origin: germline.
Comment: NM_015311.3(OBSL1):c.427del (p.Ala143Argfs*5) is a frameshift variant in OBSL1 predicted to alter the reading frame and introduce a premature termination codon and is predicted to result in an absent or altered protein product. Loss of function is an established disease mechanism for OBSL1-associated disorders. Also, this variant is rare in population databases. Based on the currently available evidence, this variant is classified as likely pathogenic.

NM_015311.3(OBSL1):c.427del (p.Ala143fs)

Gene: OBSL1 (obscurin like cytoskeletal adaptor 1; minus strand). Cytogenetic location: 2q35.
Variant type: Deletion.
Coding change: c.427del on transcript NM_015311.3 (MANE Select); coding-DNA position 427, one base deleted (G; older notation c.427delG).
Protein change: p.Ala143fs; shifts the reading frame from alanine 143.
Molecular consequence: frameshift variant.
Genome position (GRCh38, 1-based): chr2:219,570,806, C deleted on the plus strand (G on the coding strand, the reverse complement: OBSL1 is on the minus strand); the first of 6 consecutive C bases (chr2:219,570,806-219,570,811); deleting any one gives the same sequence. VCF-style (leftmost placement, unchanged base first): chr2-219570805-GC-G. GRCh37 (hg19) VCF-style: chr2-220435527-GC-G.
Other names: c.427del, p.Ala143fs (NM_001173408.2, NM_001173431.2); short protein forms A143fs.
Identifiers: ClinVar variation 4880546 (VCV004880546.2).